The following is an entry in ClinVar:

NM_024422.6(DSC2):c.121T>C (p.Ser41Pro)

Gene: DSC2 (desmocollin 2; minus strand). Cytogenetic location: 18q12.1.
Variant type: single nucleotide variant.
Coding change: c.121T>C on transcript NM_024422.6 (MANE Select); coding-DNA position 121, T replaced by C.
Protein change: p.Ser41Pro; replaces serine 41 with proline.
Molecular consequence: missense variant.
Genome position (GRCh38, 1-based): chr18:31,093,592, A>G on the plus strand (T>C on the coding strand, the complement: DSC2 is on the minus strand). VCF-style: chr18-31093592-A-G. GRCh37 (hg19) VCF-style: chr18-28673555-A-G.
Other names: c.121T>C, p.Ser41Pro (NM_004949.5); short protein forms S41P.
Identifiers: ClinVar variation 1332510 (VCV001332510.2), dbSNP rs2144850316, ClinGen allele CA402115077.

ClinVar aggregate classification (germline): Uncertain significance (1 of 4 stars; one submission).

Conditions:
Cardiomyopathy (CMYO). Also called: Cardiomyopathies. Identifiers: Orphanet 167848, MedGen C0878544, MONDO:0004994, HP:0001638. Inheritance: Various modes of inheritance.

Submission:

Color Diagnostics, LLC DBA Color Health
Classification: Uncertain significance for Cardiomyopathy. Last evaluated: 2021-08-09. Review status: criteria provided, single submitter. Criteria: ACMG Guidelines, 2015. Collection method: clinical testing. Allele origin: germline.
Comment: This missense variant replaces serine with proline at codon 41 of the DSC2 protein. Computational prediction suggests that this variant may not impact protein structure and function (internally defined REVEL score threshold <= 0.5, PMID: 27666373). To our knowledge, functional studies have not been reported for this variant. This variant has not been reported in individuals affected with cardiovascular disorders in the literature. This variant has not been identified in the general population by the Genome Aggregation Database (gnomAD). The available evidence is insufficient to determine the role of this variant in disease conclusively. Therefore, this variant is classified as a Variant of Uncertain Significance.